The following is an entry in ClinVar:

ClinVar aggregate classification (germline): Uncertain significance (1 of 4 stars; one submission).

Conditions:
Vici syndrome (VICIS). Identifiers: Orphanet 1493, MedGen C1855772, MONDO:0009452, OMIM 242840.

Allele frequency attached by ClinVar (database versions not stated): gnomAD exomes below 0.00001; gnomAD 0.00001.
gnomAD v4.1: 6 of 1,614,084 alleles (0.00037%); highest among the groups gnomAD compares: Admixed American, 0.0033%; no homozygotes.

Submission:

Labcorp Genetics (formerly Invitae), Labcorp
Classification: Uncertain significance for Vici syndrome. Last evaluated: 2022-08-09. Review status: criteria provided, single submitter. Criteria: Invitae Variant Classification Sherloc (09022015). Collection method: clinical testing. Allele origin: germline.
Comment: This sequence change replaces proline, which is neutral and non-polar, with serine, which is neutral and polar, at codon 2498 of the EPG5 protein (p.Pro2498Ser). This variant is not present in population databases (gnomAD no frequency). This variant has not been reported in the literature in individuals affected with EPG5-related conditions. Algorithms developed to predict the effect of missense changes on protein structure and function are either unavailable or do not agree on the potential impact of this missense change (SIFT: "Deleterious"; PolyPhen-2: "Benign"; Align-GVGD: "Class C0"). In summary, the available evidence is currently insufficient to determine the role of this variant in disease. Therefore, it has been classified as a Variant of Uncertain Significance.

NM_020964.3(EPG5):c.7492C>T (p.Pro2498Ser)

Gene: EPG5 (ectopic P-granules 5 autophagy tethering factor; minus strand). Cytogenetic location: 18q12.3.
Variant type: single nucleotide variant.
Coding change: c.7492C>T on transcript NM_020964.3 (MANE Select); coding-DNA position 7492, C replaced by T.
Protein change: p.Pro2498Ser; replaces proline 2498 with serine.
Molecular consequence: missense variant.
Genome position (GRCh38, 1-based): chr18:45,855,638, G>A on the plus strand (C>T on the coding strand, the complement: EPG5 is on the minus strand). VCF-style: chr18-45855638-G-A. GRCh37 (hg19) VCF-style: chr18-43435603-G-A.
Other names: c.7492C>T, p.Pro2498Ser (NM_001410858.1); c.7489C>T, p.Pro2497Ser (NM_001410859.1); short protein forms P2497S, P2498S.
Identifiers: ClinVar variation 1965282 (VCV001965282.2), dbSNP rs2048500699, ClinGen allele CA402335656.
Genomic context (GRCh38, chr18:45,855,638, plus strand): 5'-GAGCTTTGGGGGTCAGATGTAATTCAGAGCCAGGCCTCAAACGGATCTGATCTTCCATAG[G>A]AACCTGAACTGAAAGGAAGGCAGCCATGCTTCGGGCAACCACTCGGAACCTTAGGCATTA-3'
Protein context (NP_066015.2, residues 2488-2508): SMAAFLSVQV[Pro2498Ser]MEDQIRLRPG